The following is an entry in ClinVar:

NM_015559.3(SETBP1):c.4129G>C (p.Val1377Leu)

Gene: SETBP1 (SET binding protein 1; plus strand). Cytogenetic location: 18q12.3.
Variant type: single nucleotide variant.
Coding change: c.4129G>C on transcript NM_015559.3 (MANE Select); coding-DNA position 4129, G replaced by C.
Protein change: p.Val1377Leu; replaces valine 1377 with leucine.
Molecular consequence: missense variant.
Genome position (GRCh38, 1-based): chr18:45,038,613, G>C. VCF-style: chr18-45038613-G-C. GRCh37 (hg19) VCF-style: chr18-42618578-G-C.
Other names: c.4129G>C, p.Val1377Leu (LRG_1150t1); short protein forms V1377L.
Identifiers: ClinVar variation 159878 (VCV000159878.56), dbSNP rs77518617, ClinGen allele CA173401.

ClinVar aggregate classification (germline): Benign. Review status: criteria provided, multiple submitters, no conflicts (2 of 4 stars). 10 submissions from 10 submitters: Benign (8). 2 of the submissions do not count toward it. Last evaluated 2026-02-03.

Conditions:
SETBP1-related disorder. Also called: SETBP1-related condition; SETBP1-related disorders.
Schinzel-Giedion syndrome (SGS). Identifiers: Orphanet 798, MedGen C0265227, MONDO:0010010, OMIM 269150.

Allele frequency attached by ClinVar (database versions not stated): 1000 Genomes Project 0.00479; 1000 Genomes Project 30x 0.00484; ExAC 0.00746; gnomAD exomes 0.00812 and 0.01326; gnomAD 0.00867 and 0.00922; TOPMed 0.00885; ESP Exome Variant Server 0.01207.
gnomAD v4.1: 20,693 of 1,614,182 alleles (1.3%); highest among the groups gnomAD compares: Non-Finnish European, 1.6%; 162 homozygotes.

Submissions (10):

Labcorp Genetics (formerly Invitae), Labcorp
Classification: Benign. Last evaluated: 2026-02-03. Review status: criteria provided, single submitter. Criteria: Invitae Variant Classification Sherloc (09022015). Collection method: clinical testing. Allele origin: germline.

CeGaT Center for Human Genetics Tuebingen
Classification: Benign. Last evaluated: 2024-07-01. Review status: criteria provided, single submitter. Criteria: CeGaT Center For Human Genetics Tuebingen Variant Classification Criteria Version 2. Collection method: clinical testing. Allele origin: germline. Affected: yes. Observed: 32 variant alleles.
Comment: SETBP1: BP4, BS1, BS2

Athena Diagnostics
Classification: Benign. Last evaluated: 2024-01-12. Review status: criteria provided, single submitter. Criteria: Athena Diagnostics Criteria. Collection method: clinical testing. Allele origin: unknown.

KCCC/NGS Laboratory, Kuwait Cancer Control Center
Classification: Benign for Schinzel-Giedion syndrome. Last evaluated: 2023-07-07. Review status: criteria provided, single submitter. Criteria: ACMG Guidelines, 2015. Collection method: clinical testing. Allele origin: germline. Affected: yes.

Mayo Clinic Laboratories, Mayo Clinic
Classification: Benign. Last evaluated: 2019-11-05. Review status: criteria provided, single submitter. Criteria: ACMG Guidelines, 2015. Collection method: clinical testing. Allele origin: germline. Observed: 11 variant alleles.

GeneDx
Classification: Benign. Last evaluated: 2015-03-03. Review status: criteria provided, single submitter. Criteria: GeneDx Variant Classification Process June 2021. Collection method: clinical testing. Allele origin: germline. Affected: yes.
Comment: This variant is associated with the following publications: (PMID: 31681433)

Genetic Services Laboratory, University of Chicago
Classification: Benign. Last evaluated: 2013-02-08. Review status: criteria provided, single submitter. Criteria: ACMG Guidelines, 2007. Collection method: clinical testing. Allele origin: germline. Inheritance: Autosomal dominant inheritance.

Breakthrough Genomics
Classification: Benign. Review status: criteria provided, single submitter. Criteria: ACMG Guidelines, 2015. Collection method: not provided. Allele origin: germline. Inheritance: Autosomal dominant inheritance. Affected: yes.

PreventionGenetics, part of Exact Sciences
Classification: Benign for SETBP1-related condition. Last evaluated: 2020-12-07. Review status: no assertion criteria provided. Collection method: clinical testing. Allele origin: germline. Not counted in ClinVar's aggregate classification.
Comment: This variant is classified as benign based on ACMG/AMP sequence variant interpretation guidelines (Richards et al. 2015 PMID: 25741868, with internal and published modifications).

Department of Pathology and Laboratory Medicine, Sinai Health System
Classification: Likely benign. Review status: no assertion criteria provided. Collection method: clinical testing. Allele origin: unknown. Affected: yes. Study: The Canadian Open Genetics Repository (COGR). Not counted in ClinVar's aggregate classification.
Comment: The SETBP1 p.Val1377Leu variant was not identified in the literature but was identified in dbSNP (ID: rs77518617), ClinVar (classified as benign by Genetic Services Laboratory, University of Chicago and likely benign by Illumina) and LOVD 3.0 (classified as likely benign and benign). The variant was identified in control databases in 2336 of 282752 chromosomes (16 homozygous) at a frequency of 0.008262 increasing the likelihood this could be a low frequency benign variant (Genome Aggregation Database March 6, 2019, v2.1.1). The variant was observed in the following populations: European (non-Finnish) in 1719 of 129086 chromosomes (freq: 0.01332), Ashkenazi Jewish in 137 of 10366 chromosomes (freq: 0.01322), Other in 63 of 7228 chromosomes (freq: 0.008716), Latino in 213 of 35422 chromosomes (freq: 0.006013), African in 73 of 24968 chromosomes (freq: 0.002924), South Asian in 72 of 30614 chromosomes (freq: 0.002352) and European (Finnish) in 59 of 25116 chromosomes (freq: 0.002349), but was not observed in the East Asian population. The p.Val1377 residue is conserved across mammals and other organisms however four out of five computational analyses (PolyPhen-2, SIFT, AlignGVGD, BLOSUM, MutationTaster) do not suggest a high likelihood of impact to the protein; this information is not predictive enough to rule out pathogenicity. The variant occurs outside of the splicing consensus sequence and in silico or computational prediction software programs (SpliceSiteFinder, MaxEntScan, NNSPLICE, GeneSplicer) do not predict a difference in splicing. In summary, based on the above information the clinical significance of this variant cannot be determined with certainty at this time although we would lean towards a more benign role for this variant. This variant is classified as likely benign.